The following is an entry in ClinVar:

ClinVar aggregate classification (germline): Uncertain significance. Review status: criteria provided, multiple submitters, no conflicts (2 of 4 stars). 3 submissions from 3 submitters: Uncertain significance (3). Last evaluated 2025-12-23.

Conditions:
Generalized epilepsy with febrile seizures plus, type 7 (GEFSP7). Also called: GEFS+, TYPE 7. Identifiers: Orphanet 36387, MedGen C2751778, MONDO:0013470, OMIM 613863.
Neuropathy, hereditary sensory and autonomic, type 2A (HSAN2A). Also called: MORVAN DISEASE; NEUROPATHY, CONGENITAL SENSORY; NEUROPATHY, HEREDITARY SENSORY RADICULAR, AUTOSOMAL RECESSIVE; NEUROPATHY, HEREDITARY SENSORY, TYPE IIA; NEUROPATHY, PROGRESSIVE SENSORY, OF CHILDREN; WNK1-Related HSAN2 (HSAN2A). Identifiers: Orphanet 970, MedGen C2752089, MONDO:0024309, OMIM 201300.

Allele frequency attached by ClinVar (database versions not stated): gnomAD 0.00001 and 0.00002; gnomAD exomes 0.00001 and 0.00002; ExAC 0.00002; TOPMed 0.00003.
gnomAD v4.1: 25 of 1,613,162 alleles (0.0015%); highest among the groups gnomAD compares: African/African-American, 0.0027%; no homozygotes.

Submissions (3):

Labcorp Genetics (formerly Invitae), Labcorp
Classification: Uncertain significance for Neuropathy, hereditary sensory and autonomic, type 2A; Generalized epilepsy with febrile seizures plus, type 7. Last evaluated: 2025-12-23. Review status: criteria provided, single submitter. Criteria: Invitae Variant Classification Sherloc (09022015). Collection method: clinical testing. Allele origin: germline.
Comment: This sequence change replaces proline, which is neutral and non-polar, with leucine, which is neutral and non-polar, at codon 187 of the SCN9A protein (p.Pro187Leu). This variant is present in population databases (rs771227297, gnomAD 0.003%). This missense change has been observed in individual(s) with erythromelalgia (PMID: 29911575). ClinVar contains an entry for this variant (Variation ID: 574441). Invitae Evidence Modeling of protein sequence and biophysical properties (such as structural, functional, and spatial information, amino acid conservation, physicochemical variation, residue mobility, and thermodynamic stability) has been performed for this missense variant. However, the output from this modeling did not meet the statistical confidence thresholds required to predict the impact of this variant on SCN9A protein function. In summary, the available evidence is currently insufficient to determine the role of this variant in disease. Therefore, it has been classified as a Variant of Uncertain Significance.

New York Genome Center
Classification: Uncertain significance for Generalized epilepsy with febrile seizures plus, type 7. Last evaluated: 2020-06-03. Review status: criteria provided, single submitter. Criteria: NYGC Assertion Criteria 2020. Collection method: clinical testing. Allele origin: de novo. Observed: 1 heterozygote. Study: CSER-NYCKidSeq.
Comment: The de novo c.560C>T (p.Pro187Leu) variant identified in the SCN9A gene substitutes a well conserved Proline for Leucine at amino acid 187/1978 (coding exon 5/27). This variant is found with low frequency in gnomAD(v3.0) (3 heterozygotes, 0 homozygotes; allele frequency 2.1e-5) suggesting it is not a common benign variant in the populations represented in that database. In silico algorithms predict this variant to be Deleterious (Provean; score: -9.6), Damaging (SIFT; score:0.000) and Pathogenic (REVEL; score:0.7919) to the function of the canonical transcript. This variant is reported as a Variant of Uncertain Significance in ClinVar (VarID:57441), and to our current knowledge has not been reported in any individuals with SCN9A associated seizure disorder. SCN9A is a transmembrane protein, and the p.Pro187 residue is predicted to be the last amino acid within the cytoplasmic loop at the S3 repeat of transmembrane domain 1 (UniProtKB: Q15858). While it is identified de novo in this individual, its presence in control and non-neuro population databases (gnomADv2.1.1, rs771227297) and observation in an individual in association with Erythromelalgia leaves some uncertainty regarding its role in SCN9A associated seizure disorder. The c.560C>T (p.Pro187Leu) variant identified in the SCN9A gene is therefore classified here as a Variant of Uncertain Significance.

Mayo Clinic Laboratories, Mayo Clinic
Classification: Uncertain significance. Last evaluated: 2019-07-14. Review status: criteria provided, single submitter. Criteria: ACMG Guidelines, 2015. Collection method: clinical testing. Allele origin: germline. Observed: 1 variant allele.

Literature cited by the submitters: PubMed 29911575 (cited by Labcorp Genetics (formerly Invitae), Labcorp).

NM_001365536.1(SCN9A):c.560C>T (p.Pro187Leu)

Gene: SCN9A (sodium voltage-gated channel alpha subunit 9; minus strand). Cytogenetic location: 2q24.3.
Variant type: single nucleotide variant.
Coding change: c.560C>T on transcript NM_001365536.1 (MANE Select); coding-DNA position 560, C replaced by T.
Protein change: p.Pro187Leu; replaces proline 187 with leucine.
Molecular consequence: missense variant.
Genome position (GRCh38, 1-based): chr2:166,305,828, G>A on the plus strand (C>T on the coding strand, the complement: SCN9A is on the minus strand). VCF-style: chr2-166305828-G-A. GRCh37 (hg19) VCF-style: chr2-167162338-G-A.
Other names: c.560C>T, p.Pro187Leu (NM_002977.4); short protein forms P187L.
Identifiers: ClinVar variation 574441 (VCV000574441.15), dbSNP rs771227297, ClinGen allele CA1944763.